The following is an entry in ClinVar:

NM_138713.4(NFAT5):c.3804GCA[7] (p.Gln1283_Gln1284dup)

Gene: NFAT5 (nuclear factor of activated T cells 5; plus strand). Cytogenetic location: 16q22.1.
Variant type: Microsatellite.
Coding change: c.3804GCA[7] on transcript NM_138713.4 (MANE Select); seven copies in a row of the 3-base unit GCA starting at c.3804; the reference has five copies in a row; two copies, 6 bases duplicated.
Protein change: p.Gln1283_Gln1284dup.
Molecular consequence: inframe insertion.
Genome position (GRCh38, 1-based): chr16:69,693,638-69,693,643, GCAGCA duplicated; duplicating any 6 consecutive bases within chr16:69,693,627-69,693,643 gives the same sequence; the position shown is the placement nearest the transcript's 3' end. VCF-style (leftmost placement, unchanged base first): chr16-69693626-A-ACAGCAG. GRCh37 (hg19) VCF-style: chr16-69727529-A-ACAGCAG.
Other names: c.3801GCA[7], p.Gln1282_Gln1283dup (NM_001113178.3); c.3129GCA[7], p.Gln1058_Gln1059dup (NM_001367709.1); c.3750GCA[7], p.Gln1265_Gln1266dup (NM_006599.4); c.3522GCA[7], p.Gln1189_Gln1190dup (NM_138714.4, NM_173214.3, NM_173215.3).
Identifiers: ClinVar variation 1419537 (VCV001419537.6), dbSNP rs750951612, ClinGen allele CA723259607.
Genomic context (GRCh38, chr16:69,693,626, plus strand): 5'-AACCATGTTCCAGTCACAGCACTCAATAGTTGCCATGCAGAGTAACTCTCCATCCCAGGA[A>ACAGCAG]CAGCAGCAGCAGCAGCAACAGCAGCAGCAACAGCAGCAGCAACAACAACAGAGCATTTTA-3'

ClinVar aggregate classification (germline): Uncertain significance (1 of 4 stars; one submission).

Conditions:
Immunodeficiency. Identifiers: MedGen C0021051, MONDO:0021094, HP:0002721.

Submission:

Labcorp Genetics (formerly Invitae), Labcorp
Classification: Uncertain significance for Immunodeficiency. Last evaluated: 2024-11-18. Review status: criteria provided, single submitter. Criteria: Invitae Variant Classification Sherloc (09022015). Collection method: clinical testing. Allele origin: germline.
Comment: This variant, c.3531_3536dup, results in the insertion of 2 amino acid(s) of the NFAT5 protein (p.Gln1189_Gln1190dup), but otherwise preserves the integrity of the reading frame. This variant is not present in population databases (gnomAD no frequency). This variant has not been reported in the literature in individuals affected with NFAT5-related conditions. Experimental studies and prediction algorithms are not available or were not evaluated, and the functional significance of this variant is currently unknown. In summary, the available evidence is currently insufficient to determine the role of this variant in disease. Therefore, it has been classified as a Variant of Uncertain Significance.